The following is an entry in ClinVar:

ClinVar aggregate classification (germline): Uncertain significance. Review status: criteria provided, multiple submitters, no conflicts (2 of 4 stars). 2 submissions from 2 submitters: Uncertain significance (2). Last evaluated 2025-08-02.

Conditions:
Inborn genetic diseases. Identifiers: MedGen C0950123, MeSH D030342.

Allele frequency attached by ClinVar (database versions not stated): gnomAD exomes 0.00003; ExAC 0.00008; 1000 Genomes Project 30x 0.00031; gnomAD 0.00031; TOPMed 0.00033; 1000 Genomes Project 0.00040; ESP Exome Variant Server 0.00077.
gnomAD v4.1: 97 of 1,614,148 alleles (0.006%); highest among the groups gnomAD compares: African/African-American, 0.11%; no homozygotes.

Submissions (2):

Ambry Genetics
Classification: Uncertain significance for Inborn genetic diseases. Last evaluated: 2025-08-02. Review status: criteria provided, single submitter. Criteria: Ambry Variant Classification Scheme 2023. Collection method: clinical testing. Allele origin: germline.

GeneDx
Classification: Uncertain significance. Last evaluated: 2024-07-25. Review status: criteria provided, single submitter. Criteria: GeneDx Variant Classification Process June 2021. Collection method: clinical testing. Allele origin: germline. Affected: yes.
Comment: In silico analysis supports that this missense variant has a deleterious effect on protein structure/function; Has not been previously published as pathogenic or benign to our knowledge

NM_005562.3(LAMC2):c.1784C>A (p.Pro595Gln)

Gene: LAMC2 (laminin subunit gamma 2; plus strand). Cytogenetic location: 1q25.3.
Variant type: single nucleotide variant.
Coding change: c.1784C>A on transcript NM_005562.3 (MANE Select); coding-DNA position 1784, C replaced by A.
Protein change: p.Pro595Gln; replaces proline 595 with glutamine.
Molecular consequence: missense variant.
Genome position (GRCh38, 1-based): chr1:183,231,030, C>A. VCF-style: chr1-183231030-C-A. GRCh37 (hg19) VCF-style: chr1-183200165-C-A.
Other names: c.1784C>A, p.Pro595Gln (NM_018891.3); short protein forms P595Q.
Identifiers: ClinVar variation 2258364 (VCV002258364.4), dbSNP rs62640907, ClinGen allele CA1282731.